The following is an entry in ClinVar:

ClinVar aggregate classification (germline): Uncertain significance (1 of 4 stars; one submission).

Conditions:
Charcot-Marie-Tooth disease type 4. Also called: Charcot-Marie-Tooth disease, type IV; Charcot-Marie-Tooth, Type 4. Identifiers: Orphanet 64749, MedGen C4082197, MONDO:0018995.

Allele frequency attached by ClinVar (database versions not stated): gnomAD exomes below 0.00001.
gnomAD v4.1: 1 of 1,613,834 alleles (0.000062%); highest among the groups gnomAD compares: Non-Finnish European, 0.000085%; no homozygotes.

Submission:

Labcorp Genetics (formerly Invitae), Labcorp
Classification: Uncertain significance for Charcot-Marie-Tooth disease type 4. Last evaluated: 2021-09-09. Review status: criteria provided, single submitter. Criteria: Invitae Variant Classification Sherloc (09022015). Collection method: clinical testing. Allele origin: germline.
Comment: This sequence change replaces lysine with arginine at codon 387 of the PRX protein (p.Lys387Arg). The lysine residue is highly conserved and there is a small physicochemical difference between lysine and arginine. This variant is not present in population databases (ExAC no frequency). This variant has not been reported in the literature in individuals affected with PRX-related conditions. Algorithms developed to predict the effect of missense changes on protein structure and function are either unavailable or do not agree on the potential impact of this missense change (SIFT: "Tolerated"; PolyPhen-2: "Possibly Damaging"; Align-GVGD: "Class C0"). In summary, the available evidence is currently insufficient to determine the role of this variant in disease. Therefore, it has been classified as a Variant of Uncertain Significance.

NM_181882.3(PRX):c.1160A>G (p.Lys387Arg)

Gene: PRX (periaxin; minus strand). Cytogenetic location: 19q13.2.
Variant type: single nucleotide variant.
Coding change: c.1160A>G on transcript NM_181882.3 (MANE Select); coding-DNA position 1160, A replaced by G.
Protein change: p.Lys387Arg; replaces lysine 387 with arginine.
Molecular consequence: missense variant. On other transcripts: 3 prime UTR variant (1).
Genome position (GRCh38, 1-based): chr19:40,397,192, T>C on the plus strand (A>G on the coding strand, the complement: PRX is on the minus strand). VCF-style: chr19-40397192-T-C. GRCh37 (hg19) VCF-style: chr19-40903099-T-C.
Other names: c.*1365A>G (NM_020956.2); short protein forms K387R.
Identifiers: ClinVar variation 1472307 (VCV001472307.6), dbSNP rs1438526620, ClinGen allele CA405898956.
Genomic context (GRCh38, chr19:40,397,192, plus strand): 5'-GCAGCGGGCCGGGGCTCCAAGAGGGAAAGCCCAAAGGTGGGCATTCGAAGTCTGGGACCT[T>C]TCACCCTGGCCTCAGGGCTGACCTTGGCTACCTTGGCCTCAGCAACTTCCTTTGCTCGAG-3'
Protein context (NP_870998.2, residues 377-397): VAKVSPEARV[Lys387Arg]GPRLRMPTFG